The following is an entry in ClinVar:

ClinVar aggregate classification (germline): Uncertain significance. Review status: criteria provided, multiple submitters, no conflicts (2 of 4 stars). 3 submissions from 3 submitters: Uncertain significance (3). Last evaluated 2023-11-03.

Conditions:
Neuropathy, hereditary sensory and autonomic, type 2A (HSAN2A). Also called: HSAN IIA; WNK1-Related HSAN2 (HSAN2A); MORVAN DISEASE; NEUROPATHY, CONGENITAL SENSORY; NEUROPATHY, HEREDITARY SENSORY RADICULAR, AUTOSOMAL RECESSIVE; NEUROPATHY, HEREDITARY SENSORY, TYPE IIA. Identifiers: Orphanet 970, MedGen C2752089, MONDO:0024309, OMIM 201300.
Pseudohypoaldosteronism type 2C (PHA2C). Also called: Pseudohypoaldosteronism Type IIC. Identifiers: Orphanet 757, Orphanet 88940, MedGen C1840391, MONDO:0013778, OMIM 614492.
Inborn genetic diseases. Identifiers: MedGen C0950123, MeSH D030342.

Allele frequency attached by ClinVar (database versions not stated): gnomAD exomes 0.00001 and 0.00007; ExAC 0.00002; gnomAD 0.00002; TOPMed 0.00002.
gnomAD v4.1: 97 of 1,613,984 alleles (0.006%); highest among the groups gnomAD compares: Non-Finnish European, 0.0082%; no homozygotes.

Submissions (3):

Labcorp Genetics (formerly Invitae), Labcorp
Classification: Uncertain significance for Neuropathy, hereditary sensory and autonomic, type 2A; Pseudohypoaldosteronism type 2C. Last evaluated: 2023-11-03. Review status: criteria provided, single submitter. Criteria: Invitae Variant Classification Sherloc (09022015). Collection method: clinical testing. Allele origin: germline.
Comment: This sequence change replaces serine, which is neutral and polar, with tyrosine, which is neutral and polar, at codon 702 of the WNK1 protein (p.Ser702Tyr). This variant is present in population databases (rs772771448, gnomAD 0.003%). This variant has not been reported in the literature in individuals affected with WNK1-related conditions. ClinVar contains an entry for this variant (Variation ID: 538520). Advanced modeling of protein sequence and biophysical properties (such as structural, functional, and spatial information, amino acid conservation, physicochemical variation, residue mobility, and thermodynamic stability) performed at Invitae indicates that this missense variant is not expected to disrupt WNK1 protein function with a negative predictive value of 95%. In summary, the available evidence is currently insufficient to determine the role of this variant in disease. Therefore, it has been classified as a Variant of Uncertain Significance.

Fulgent Genetics
Classification: Uncertain significance for Neuropathy, hereditary sensory and autonomic, type 2A; Pseudohypoaldosteronism type 2C. Last evaluated: 2022-01-18. Review status: criteria provided, single submitter. Criteria: ACMG Guidelines, 2015. Collection method: clinical testing. Allele origin: unknown.

Ambry Genetics
Classification: Uncertain significance for Inborn genetic diseases. Last evaluated: 2021-11-16. Review status: criteria provided, single submitter. Criteria: Ambry Variant Classification Scheme 2023. Collection method: clinical testing. Allele origin: germline.
Comment: The p.S702Y variant (also known as c.2105C>A), located in coding exon 8 of the WNK1 gene, results from a C to A substitution at nucleotide position 2105. The serine at codon 702 is replaced by tyrosine, an amino acid with dissimilar properties. This amino acid position is well conserved in available vertebrate species. In addition, this alteration is predicted to be tolerated by in silico analysis. Since supporting evidence is limited at this time, the clinical significance of this alteration remains unclear.

NM_018979.4(WNK1):c.2105C>A (p.Ser702Tyr)

Gene: WNK1 (WNK lysine deficient protein kinase 1; plus strand). Cytogenetic location: 12p13.33.
Variant type: single nucleotide variant.
Coding change: c.2105C>A on transcript NM_018979.4 (MANE Select); coding-DNA position 2105, C replaced by A.
Protein change: p.Ser702Tyr; replaces serine 702 with tyrosine.
Molecular consequence: missense variant.
Genome position (GRCh38, 1-based): chr12:862,236, C>A. VCF-style: chr12-862236-C-A. GRCh37 (hg19) VCF-style: chr12-971402-C-A.
Other names: c.2105C>A, p.Ser702Tyr (NM_001184985.2, NM_014823.3, NM_213655.5); short protein forms S702Y.
Identifiers: ClinVar variation 538520 (VCV000538520.11), dbSNP rs772771448, ClinGen allele CA6382104.